The following is an entry in ClinVar:

ClinVar aggregate classification (germline): Likely benign. Review status: criteria provided, multiple submitters, no conflicts (2 of 4 stars). 2 submissions from 2 submitters: Likely benign (2). Last evaluated 2025-12-23.

Conditions:
Brody myopathy. Also called: BRODY DISEASE. Identifiers: Orphanet 53347, MedGen C1832918, MONDO:0010977, OMIM 601003.

Allele frequency attached by ClinVar (database versions not stated): gnomAD exomes 0.00003 and 0.00014; ExAC 0.00016; gnomAD 0.00042 and 0.00047; TOPMed 0.00048; ESP Exome Variant Server 0.00062.
gnomAD v4.1: 112 of 1,612,380 alleles (0.0069%); highest among the groups gnomAD compares: African/African-American, 0.14%; no homozygotes.

Submissions (2):

Labcorp Genetics (formerly Invitae), Labcorp
Classification: Likely benign for Brody myopathy. Last evaluated: 2025-12-23. Review status: criteria provided, single submitter. Criteria: Invitae Variant Classification Sherloc (09022015). Collection method: clinical testing. Allele origin: germline.

GeneDx
Classification: Likely benign. Last evaluated: 2016-10-31. Review status: criteria provided, single submitter. Criteria: GeneDx Variant Classification (06012015). Collection method: clinical testing. Allele origin: germline. Affected: yes.
Comment: This variant is considered likely benign or benign based on one or more of the following criteria: it is a conservative change, it occurs at a poorly conserved position in the protein, it is predicted to be benign by multiple in silico algorithms, and/or has population frequency not consistent with disease.

NM_004320.6(ATP2A1):c.2862+20G>C

Gene: ATP2A1 (ATPase sarcoplasmic/endoplasmic reticulum Ca2+ transporting 1; plus strand). Cytogenetic location: 16p11.2.
Variant type: single nucleotide variant.
Coding change: c.2862+20G>C on transcript NM_004320.6 (MANE Select); 20 bases into the intron after coding-DNA position 2862, G replaced by C.
Molecular consequence: intron variant.
Genome position (GRCh38, 1-based): chr16:28,903,167, G>C. VCF-style: chr16-28903167-G-C. GRCh37 (hg19) VCF-style: chr16-28914488-G-C.
Other names: c.2862+20G>C (NM_173201.5); c.2487+20G>C (NM_001286075.2).
Identifiers: ClinVar variation 390035 (VCV000390035.12), dbSNP rs377366848, ClinGen allele CA7987422.
Genomic context (GRCh38, chr16:28,903,167, plus strand): 5'-TGTCCCTGCACTTCCTCATCCTCTATGTTGACCCCCTGCCGGTGAGGTTTCTTCCGCCCA[G>C]GGCCGCCCACCCCAGCACTGGGGAGCCCACGGCGGGCCCATGACCACTCCCACCAGGGGC-3'